The following is an entry in ClinVar:

ClinVar aggregate classification (germline): Likely benign. Review status: criteria provided, multiple submitters, no conflicts (2 of 4 stars). 2 submissions from 2 submitters: Likely benign (2). Last evaluated 2018-12-01.

Conditions:
Warburg micro syndrome 1 (WARBM1). Identifiers: Orphanet 2510, MedGen C1838625, MONDO:0010822, OMIM 600118.

Allele frequency attached by ClinVar (database versions not stated): 1000 Genomes Project 30x 0.00359; 1000 Genomes Project 0.00399; TOPMed 0.00473; gnomAD exomes 0.00037; gnomAD 0.00455 and 0.00415.
gnomAD v4.1: 744 of 450,476 alleles (0.17%); highest among the groups gnomAD compares: African/African-American, 1.3%; 5 homozygotes.

Submissions (2):

GeneDx
Classification: Likely benign. Last evaluated: 2018-12-01. Review status: criteria provided, single submitter. Criteria: GeneDx Variant Classification Process June 2021. Collection method: clinical testing. Allele origin: germline. Affected: yes.

Illumina Laboratory Services, Illumina
Classification: Likely benign for Warburg micro syndrome 1. Last evaluated: 2018-01-12. Review status: criteria provided, single submitter. Criteria: ICSL Variant Classification Criteria 13 December 2019. Collection method: clinical testing. Allele origin: germline.
Comment: This variant was observed in the ICSL laboratory as part of a predisposition screen in an ostensibly healthy population. It had not been previously curated by ICSL or reported in the Human Gene Mutation Database (HGMD: prior to June 1st, 2018), and was therefore a candidate for classification through an automated scoring system. Utilizing variant allele frequency, disease prevalence and penetrance estimates, and inheritance mode, an automated score was calculated to assess if this variant is too frequent to cause the disease. Based on the score and internal cut-off values, a variant classified as likely benign is not then subjected to further curation. The score for this variant resulted in a classification of likely benign for this disease.

NM_012233.3(RAB3GAP1):c.*303G>A

Gene: RAB3GAP1 (RAB3 GTPase activating protein catalytic subunit 1; plus strand). Cytogenetic location: 2q21.3.
Variant type: single nucleotide variant.
Coding change: c.*303G>A on transcript NM_012233.3 (MANE Select); 303 bases downstream of the stop codon, G replaced by A.
Molecular consequence: 3 prime UTR variant.
Genome position (GRCh38, 1-based): chr2:135,169,084, G>A. VCF-style: chr2-135169084-G-A. GRCh37 (hg19) VCF-style: chr2-135926654-G-A.
Other names: c.*303G>A (NM_001172435.2).
Identifiers: ClinVar variation 331139 (VCV000331139.7), dbSNP rs72980321, ClinGen allele CA10612254.